The following is an entry in ClinVar:

ClinVar aggregate classification (germline): Uncertain significance. Review status: criteria provided, multiple submitters, no conflicts (2 of 4 stars). 3 submissions from 3 submitters: Uncertain significance (3). Last evaluated 2024-09-03.

Conditions:
Inborn genetic diseases. Identifiers: MedGen C0950123, MeSH D030342.

Allele frequency attached by ClinVar (database versions not stated): gnomAD exomes below 0.00001; gnomAD 0.00001; TOPMed 0.00006.

Submissions (3):

Mayo Clinic Laboratories, Mayo Clinic
Classification: Uncertain significance. Last evaluated: 2024-09-03. Review status: criteria provided, single submitter. Criteria: ACMG Guidelines, 2015. Collection method: clinical testing. Allele origin: germline. Observed: 1 variant allele.
Comment: PP3, PM1_supporting, PM2_supporting

Ambry Genetics
Classification: Uncertain significance for Inborn genetic diseases. Last evaluated: 2023-12-17. Review status: criteria provided, single submitter. Criteria: Ambry Variant Classification Scheme 2023. Collection method: clinical testing. Allele origin: germline.

Labcorp Genetics (formerly Invitae), Labcorp
Classification: Uncertain significance. Last evaluated: 2022-05-27. Review status: criteria provided, single submitter. Criteria: Invitae Variant Classification Sherloc (09022015). Collection method: clinical testing. Allele origin: germline.
Comment: Algorithms developed to predict the effect of missense changes on protein structure and function are either unavailable or do not agree on the potential impact of this missense change (SIFT: "Deleterious"; PolyPhen-2: "Probably Damaging"; Align-GVGD: "Class C15"). In summary, the available evidence is currently insufficient to determine the role of this variant in disease. Therefore, it has been classified as a Variant of Uncertain Significance. This variant has not been reported in the literature in individuals affected with ADAMTS13-related conditions. This variant is not present in population databases (gnomAD no frequency). This sequence change replaces asparagine, which is neutral and polar, with tyrosine, which is neutral and polar, at codon 146 of the ADAMTS13 protein (p.Asn146Tyr).

NM_139027.6(ADAMTS13):c.436A>T (p.Asn146Tyr)

Gene: ADAMTS13 (ADAM metallopeptidase with thrombospondin type 1 motif 13; plus strand). Cytogenetic location: 9q34.2.
Variant type: single nucleotide variant.
Coding change: c.436A>T on transcript NM_139027.6 (MANE Select); coding-DNA position 436, A replaced by T.
Protein change: p.Asn146Tyr; replaces asparagine 146 with tyrosine.
Molecular consequence: missense variant. On other transcripts: non-coding transcript variant (1).
Genome position (GRCh38, 1-based): chr9:133,425,959, A>T. VCF-style: chr9-133425959-A-T. GRCh37 (hg19) VCF-style: chr9-136291079-A-T.
Other names: p.Asn146Tyr; c.436A>T, p.Asn146Tyr (NM_139025.5, NM_139026.6); short protein forms N146Y.
Identifiers: ClinVar variation 1950377 (VCV001950377.7), dbSNP rs888709549, ClinGen allele CA200921867.
Genomic context (GRCh38, chr9:133,425,959, plus strand): 5'-TGGGGTGTCCTAAATGCAGGCTTTGCTGTGGGTCCGCAGGGTGCTCCAAATATCACAGCC[A>T]ACCTCACCTCGTCCCTGCTGAGCGTCTGTGGGTGGAGCCAGACCATCAACCCTGAGGACG-3'
Protein context (NP_620596.2, residues 136-156): EPEGAPNITA[Asn146Tyr]LTSSLLSVCG